The following is an entry in ClinVar:

ClinVar aggregate classification (germline): Likely pathogenic. Review status: criteria provided, multiple submitters, no conflicts (2 of 4 stars). 3 submissions from 3 submitters: Likely pathogenic (3). Last evaluated 2025-10-16.

Conditions:
Branchiootic syndrome 3 (BOS3). Also called: BO SYNDROME 3. Identifiers: MedGen C1842124, MONDO:0012025, OMIM 608389.
Autosomal dominant SIX1-related disorders.
SIX1-related disorder. Also called: SIX1-related condition.

Submissions (3):

Variantyx, Inc.
Classification: Likely pathogenic for Autosomal dominant SIX1-related disorders. Last evaluated: 2025-10-16. Review status: criteria provided, single submitter. Criteria: Variantyx Assertion Criteria 2022. Collection method: clinical testing. Allele origin: de novo. Inheritance: Autosomal dominant inheritance. Affected: yes.
Comment: This is a nonsynonymous variant in the SIX1 gene (OMIM: 601205). Pathogenic variants in this gene have been associated with autosomal dominant SIX1-related disorders. This variant likely occurred de novo in one individual reported in the published literature, however, the possibility of parental germline mosaicism cannot be excluded (PMID: 34868248) (PS2_Moderate). The alteration lies within a known hotspot for pathogenic variants or a well-established critical functional domain of the SIX1 protein (PMID: 18330911, 19497856, 37479820) (PM1), and multiple computational algorithms predict a deleterious effect for this variant (REVEL score: 0.836) (PP3). This variant is absent from control populations (PM2). Based on the current evidence, this variant is classified as likely pathogenic for autosomal dominant SIX1-related disorders.

Blueprint Genetics
Classification: Likely pathogenic for SIX1-related disorders. Last evaluated: 2022-12-08. Review status: criteria provided, single submitter. Criteria: ACMG Guidelines, 2015. Collection method: clinical testing. Allele origin: germline. Affected: yes. Observed: 1 variant allele.

Precision Medicine Center, Zhengzhou University
Classification: Likely pathogenic for Branchiootic syndrome 3. Review status: criteria provided, single submitter. Criteria: ACMG Guidelines, 2015. Collection method: research. Allele origin: de novo. Affected: yes.
Comment: PM2, PM5, PM6, PP3, PP4

Literature cited by the submitters: PubMed 34868248 (cited by Variantyx, Inc.); PubMed 18330911 (cited by Variantyx, Inc.); PubMed 19497856 (cited by Variantyx, Inc.); PubMed 37479820 (cited by Variantyx, Inc.).

NM_005982.4(SIX1):c.316G>A (p.Val106Met)

Gene: SIX1 (SIX homeobox 1; minus strand). Cytogenetic location: 14q23.1.
Variant type: single nucleotide variant.
Coding change: c.316G>A on transcript NM_005982.4 (MANE Select); coding-DNA position 316, G replaced by A.
Protein change: p.Val106Met; replaces valine 106 with methionine.
Molecular consequence: missense variant.
Genome position (GRCh38, 1-based): chr14:60,648,874, C>T on the plus strand (G>A on the coding strand, the complement: SIX1 is on the minus strand). VCF-style: chr14-60648874-C-T. GRCh37 (hg19) VCF-style: chr14-61115592-C-T.
Other names: short protein forms V106M.
Identifiers: ClinVar variation 1202646 (VCV001202646.3), dbSNP rs2140241235, ClinGen allele CA389910572.